The following is an entry in ClinVar:

NM_000051.4(ATM):c.5831dup (p.Ala1945fs)

Genes: ATM (ATM serine/threonine kinase; plus strand), C11orf65 (chromosome 11 open reading frame 65; minus strand). Cytogenetic location: 11q22.3.
Variant type: Duplication.
Coding change: c.5831dup on transcript NM_000051.4 (MANE Select); coding-DNA position 5831, one base duplicated (T; older notation c.5831dupT).
Protein change: p.Ala1945fs; shifts the reading frame from alanine 1945.
Molecular consequence: frameshift variant. On other transcripts: intron variant (2).
Genome position (GRCh38, 1-based): chr11:108,310,228, T duplicated. VCF-style (leftmost placement, unchanged base first): chr11-108310227-G-GT. GRCh37 (hg19) VCF-style: chr11-108180954-G-GT.
Other names: c.5831dup, p.Ala1945fs (NM_001351834.2); c.641-1157dup (NM_001330368.2); c.*39-1157dup (NM_001351110.2); short protein forms A1945fs.
Identifiers: ClinVar variation 4071360 (VCV004071360.1).

ClinVar aggregate classification (germline): Pathogenic (1 of 4 stars; one submission).

Conditions:
Familial cancer of breast. Also called: BREAST CANCER, FAMILIAL; Hereditary breast cancer; hereditary breast carcinoma. Identifiers: Orphanet 227535, MedGen C0346153, MONDO:0016419, OMIM 114480. Disease mechanism: loss of function.

Submission:

Myriad Genetics, Inc.
Classification: Pathogenic for Familial cancer of breast. Last evaluated: 2025-04-01. Review status: criteria provided, single submitter. Criteria: Myriad Autosomal Dominant, Autosomal Recessive and X-Linked Classification Criteria (2023). Collection method: clinical testing. Allele origin: unknown.
Comment: This variant is considered pathogenic. This variant creates a frameshift predicted to result in premature protein truncation.